The following is an entry in ClinVar:

ClinVar aggregate classification (germline): Uncertain significance (1 of 4 stars; one submission).

Conditions:
Encephalopathy, acute, infection-induced (herpes-specific), susceptibility to, 1. Also called: Herpes simplex encephalitis, susceptibility to, 1. Identifiers: Orphanet 1930, MedGen C2750180, MONDO:0024563, OMIM 610551.

Allele frequency attached by ClinVar (database versions not stated): TOPMed 0.00001; gnomAD 0.00003 and 0.00002; gnomAD exomes 0.00001 and 0.00003.
gnomAD v4.1: 13 of 1,561,032 alleles (0.00083%); highest among the groups gnomAD compares: African/African-American, 0.0014%; no homozygotes.

Submission:

Labcorp Genetics (formerly Invitae), Labcorp
Classification: Uncertain significance for Encephalopathy, acute, infection-induced (herpes-specific), susceptibility to, 1. Last evaluated: 2022-07-15. Review status: criteria provided, single submitter. Criteria: Invitae Variant Classification Sherloc (09022015). Collection method: clinical testing. Allele origin: germline.
Comment: This sequence change replaces isoleucine, which is neutral and non-polar, with valine, which is neutral and non-polar, at codon 317 of the UNC93B1 protein (p.Ile317Val). This variant is present in population databases (no rsID available, gnomAD 0.007%). This variant has not been reported in the literature in individuals affected with UNC93B1-related conditions. ClinVar contains an entry for this variant (Variation ID: 952318). In summary, the available evidence is currently insufficient to determine the role of this variant in disease. Therefore, it has been classified as a Variant of Uncertain Significance.

NM_030930.4(UNC93B1):c.949A>G (p.Ile317Val)

Gene: UNC93B1 (unc-93B1 regulator of TLR signaling; minus strand). Cytogenetic location: 11q13.2.
Variant type: single nucleotide variant.
Coding change: c.949A>G on transcript NM_030930.4 (MANE Select); coding-DNA position 949, A replaced by G.
Protein change: p.Ile317Val; replaces isoleucine 317 with valine.
Molecular consequence: missense variant.
Genome position (GRCh38, 1-based): chr11:67,996,742, T>C on the plus strand (A>G on the coding strand, the complement: UNC93B1 is on the minus strand). VCF-style: chr11-67996742-T-C. GRCh37 (hg19) VCF-style: chr11-67764213-T-C.
Other names: short protein forms I317V.
Identifiers: ClinVar variation 952318 (VCV000952318.7), dbSNP rs1000119825, ClinGen allele CA224213007.